The following is an entry in ClinVar:

NM_172107.4(KCNQ2):c.46G>T (p.Gly16Trp)

Gene: KCNQ2 (potassium voltage-gated channel subfamily Q member 2; minus strand). Cytogenetic location: 20q13.33.
Variant type: single nucleotide variant.
Coding change: c.46G>T on transcript NM_172107.4 (MANE Select); coding-DNA position 46, G replaced by T.
Protein change: p.Gly16Trp; replaces glycine 16 with tryptophan.
Molecular consequence: missense variant.
Genome position (GRCh38, 1-based): chr20:63,472,418, C>A on the plus strand (G>T on the coding strand, the complement: KCNQ2 is on the minus strand). VCF-style: chr20-63472418-C-A. GRCh37 (hg19) VCF-style: chr20-62103771-C-A.
Other names: c.46G>T, p.Gly16Trp (NM_001382235.1, NM_004518.6, NM_172106.3 and 2 more transcripts); short protein forms G16W.
Identifiers: ClinVar variation 1437794 (VCV001437794.7), dbSNP rs776118228, ClinGen allele CA9958902.

ClinVar aggregate classification (germline): Uncertain significance (1 of 4 stars; one submission).

Conditions:
Early-infantile DEE. Also called: Ohtahara syndrome; Early infantile epileptic encephalopathy with suppression bursts; Early infantile epileptic encephalopathy. Identifiers: Orphanet 1934, MedGen C0393706, MONDO:0800491.

Allele frequency attached by ClinVar (database versions not stated): ExAC 0.00008.

Submission:

Labcorp Genetics (formerly Invitae), Labcorp
Classification: Uncertain significance for Early-infantile DEE. Last evaluated: 2022-10-18. Review status: criteria provided, single submitter. Criteria: Invitae Variant Classification Sherloc (09022015). Collection method: clinical testing. Allele origin: germline.
Comment: In summary, the available evidence is currently insufficient to determine the role of this variant in disease. Therefore, it has been classified as a Variant of Uncertain Significance. Advanced modeling of protein sequence and biophysical properties (such as structural, functional, and spatial information, amino acid conservation, physicochemical variation, residue mobility, and thermodynamic stability) performed at Invitae indicates that this missense variant is expected to disrupt KCNQ2 protein function. ClinVar contains an entry for this variant (Variation ID: 1437794). This variant has not been reported in the literature in individuals affected with KCNQ2-related conditions. This variant is not present in population databases (gnomAD no frequency). This sequence change replaces glycine, which is neutral and non-polar, with tryptophan, which is neutral and slightly polar, at codon 16 of the KCNQ2 protein (p.Gly16Trp).